The following is an entry in ClinVar:

ClinVar aggregate classification (germline): Uncertain significance (1 of 4 stars; one submission).

Conditions:
Duchenne muscular dystrophy (DMD). Also called: MUSCULAR DYSTROPHY, PSEUDOHYPERTROPHIC PROGRESSIVE, DUCHENNE TYPE; Duchenne Muscular Dystrophy (DMD). Identifiers: Orphanet 98896, MedGen C0013264, MONDO:0010679, OMIM 310200.

Submission:

Labcorp Genetics (formerly Invitae), Labcorp
Classification: Uncertain significance for Duchenne muscular dystrophy. Last evaluated: 2025-07-22. Review status: criteria provided, single submitter. Criteria: Invitae Variant Classification Sherloc (09022015). Collection method: clinical testing. Allele origin: germline.
Comment: This variant, c.8587_8616del, results in the deletion of 10 amino acid(s) of the DMD protein (p.Met2863_Phe2872del), but otherwise preserves the integrity of the reading frame. This variant is not present in population databases (gnomAD no frequency). This variant has not been reported in the literature in individuals affected with DMD-related conditions. Experimental studies and prediction algorithms are not available or were not evaluated, and the functional significance of this variant is currently unknown. In summary, the available evidence is currently insufficient to determine the role of this variant in disease. Therefore, it has been classified as a Variant of Uncertain Significance.

NM_004006.3(DMD):c.8587_8616del (p.Met2863_Phe2872del)

Gene: DMD (dystrophin; minus strand). Cytogenetic location: Xp21.2.
Variant type: Deletion.
Coding change: c.8587_8616del on transcript NM_004006.3 (MANE Select); coding-DNA positions 8587 to 8616, 30 bases deleted (ATGAGTACTCTTGAGACTGTACGAATATTT).
Protein change: p.Met2863_Phe2872del.
Molecular consequence: inframe deletion.
Genome position (GRCh38, 1-based): chrX:31,479,035-31,479,064, AAATATTCGTACAGTCTCAAGAGTACTCAT deleted on the plus strand (ATGAGTACTCTTGAGACTGTACGAATATTT on the coding strand, the reverse complement: DMD is on the minus strand). VCF-style (leftmost placement, unchanged base first): chrX-31479034-GAAATATTCGTACAGTCTCAAGAGTACTCAT-G. GRCh37 (hg19) VCF-style: chrX-31497151-GAAATATTCGTACAGTCTCAAGAGTACTCAT-G.
Other names: c.8563_8592del, p.Met2855_Phe2864del (NM_000109.4); c.8575_8604del, p.Met2859_Phe2868del (NM_004009.3); c.8218_8247del, p.Met2740_Phe2749del (NM_004010.3); c.4564_4593del, p.Met1522_Phe1531del (NM_004011.4); c.4555_4584del, p.Met1519_Phe1528del (NM_004012.4); c.1207_1236del, p.Met403_Phe412del (NM_004013.3, NM_004020.4, NM_004021.3 and 2 more transcripts); c.400_429del, p.Met134_Phe143del (NM_004014.3).
Identifiers: ClinVar variation 4723811 (VCV004723811.1).